The following is an entry in ClinVar:

NM_024757.5(EHMT1):c.3541-17G>A

Gene: EHMT1 (euchromatic histone lysine methyltransferase 1; plus strand). Cytogenetic location: 9q34.3.
Variant type: single nucleotide variant.
Coding change: c.3541-17G>A on transcript NM_024757.5 (MANE Select); 17 bases into the intron before coding-DNA position 3541, G replaced by A.
Molecular consequence: intron variant.
Genome position (GRCh38, 1-based): chr9:137,834,332, G>A. VCF-style: chr9-137834332-G-A. GRCh37 (hg19) VCF-style: chr9-140728784-G-A.
Other names: c.3520-17G>A (NM_001354263.2).
Identifiers: ClinVar variation 4715470 (VCV004715470.1).

ClinVar aggregate classification (germline): Uncertain significance (1 of 4 stars; one submission).

Conditions:
Kleefstra syndrome 1 (KLEFS1). Identifiers: Orphanet 261494, MedGen C0795833, MONDO:0027407, OMIM 610253.

gnomAD v4.1: 1 of 1,600,490 alleles (0.000062%); highest among the groups gnomAD compares: Non-Finnish European, 0.000085%; no homozygotes.

Submission:

Labcorp Genetics (formerly Invitae), Labcorp
Classification: Uncertain significance for Kleefstra syndrome 1. Last evaluated: 2025-05-15. Review status: criteria provided, single submitter. Criteria: Invitae Variant Classification Sherloc (09022015). Collection method: clinical testing. Allele origin: germline.
Comment: This sequence change falls in intron 25 of the EHMT1 gene. It does not directly change the encoded amino acid sequence of the EHMT1 protein. This variant is present in population databases (no rsID available, gnomAD 0.0009%). This variant has not been reported in the literature in individuals affected with EHMT1-related conditions. Algorithms developed to predict the effect of sequence changes on RNA splicing suggest that this variant may disrupt the consensus splice site. In summary, the available evidence is currently insufficient to determine the role of this variant in disease. Therefore, it has been classified as a Variant of Uncertain Significance.